The following is an entry in ClinVar:

NM_001377229.1(DISP1):c.2066A>G (p.Gln689Arg)

Gene: DISP1 (dispatched RND transporter family member 1; plus strand). Cytogenetic location: 1q41.
Variant type: single nucleotide variant.
Coding change: c.2066A>G on transcript NM_001377229.1 (MANE Select); coding-DNA position 2066, A replaced by G.
Protein change: p.Gln689Arg; replaces glutamine 689 with arginine.
Molecular consequence: missense variant.
Genome position (GRCh38, 1-based): chr1:223,003,463, A>G. VCF-style: chr1-223003463-A-G. GRCh37 (hg19) VCF-style: chr1-223176805-A-G.
Other names: c.2066A>G (NM_032890.3); c.1337A>G, p.Gln446Arg (NM_001350630.2); c.2066A>G, p.Gln689Arg (NM_001369594.1, NM_001377228.1, NM_032890.5); short protein forms Q446R, Q689R.
Identifiers: ClinVar variation 2900737 (VCV002900737.4), dbSNP rs773625592, ClinGen allele CA1409182.
Genomic context (GRCh38, chr1:223,003,463, plus strand): 5'-GCTTCAAAAAGCCCCAGCAGCAAATATATGATAACAAAAGCTGCTGGACAGTGGCTTGCC[A>G]GAAGTGCCACAAAGTACTCTTTGCCATTTCAGAAGCATCTCGAATTTTTTTCGAAAAAGT-3'
Protein context (NP_001364158.1, residues 679-699): DNKSCWTVAC[Gln689Arg]KCHKVLFAIS

ClinVar aggregate classification (germline): Uncertain significance. Review status: criteria provided, multiple submitters, no conflicts (2 of 4 stars). 2 submissions from 2 submitters: Uncertain significance (2). Last evaluated 2025-05-23.

Allele frequency attached by ClinVar (database versions not stated): ExAC 0.00005.
gnomAD v4.1: 26 of 1,614,074 alleles (0.0016%); highest among the groups gnomAD compares: South Asian, 0.015%; no homozygotes.

Submissions (2):

Ambry Genetics
Classification: Uncertain significance. Last evaluated: 2025-05-23. Review status: criteria provided, single submitter. Criteria: Ambry Variant Classification Scheme 2023. Collection method: clinical testing. Allele origin: germline.

Labcorp Genetics (formerly Invitae), Labcorp
Classification: Uncertain significance. Last evaluated: 2023-08-18. Review status: criteria provided, single submitter. Criteria: Invitae Variant Classification Sherloc (09022015). Collection method: clinical testing. Allele origin: germline.
Comment: This sequence change replaces glutamine, which is neutral and polar, with arginine, which is basic and polar, at codon 689 of the DISP1 protein (p.Gln689Arg). In summary, the available evidence is currently insufficient to determine the role of this variant in disease. Therefore, it has been classified as a Variant of Uncertain Significance. Algorithms developed to predict the effect of missense changes on protein structure and function output the following: SIFT: "Not Available"; PolyPhen-2: "Benign"; Align-GVGD: "Not Available". The arginine amino acid residue is found in multiple mammalian species, which suggests that this missense change does not adversely affect protein function. This variant has not been reported in the literature in individuals affected with DISP1-related conditions. This variant is present in population databases (rs773625592, gnomAD 0.02%).